The following is an entry in ClinVar:

ClinVar aggregate classification (germline): Uncertain significance (1 of 4 stars; one submission).

Conditions:
T-cell immunodeficiency, congenital alopecia, and nail dystrophy. Also called: Congenital alopecia and nail dystrophy associated with severe functional T-cell immunodeficiency; Pignata Guarino syndrome. Identifiers: Orphanet 169095, MedGen C1866426, MONDO:0011132, OMIM 601705.

Submission:

Labcorp Genetics (formerly Invitae), Labcorp
Classification: Uncertain significance for T-cell immunodeficiency, congenital alopecia, and nail dystrophy. Last evaluated: 2025-09-18. Review status: criteria provided, single submitter. Criteria: Invitae Variant Classification Sherloc (09022015). Collection method: clinical testing. Allele origin: germline.
Comment: This sequence change replaces asparagine, which is neutral and polar, with serine, which is neutral and polar, at codon 544 of the FOXN1 protein (p.Asn544Ser). This variant is not present in population databases (gnomAD no frequency). This variant has not been reported in the literature in individuals affected with FOXN1-related conditions. Invitae Evidence Modeling of protein sequence and biophysical properties (such as structural, functional, and spatial information, amino acid conservation, physicochemical variation, residue mobility, and thermodynamic stability) indicates that this missense variant is not expected to disrupt FOXN1 protein function with a negative predictive value of 80%. In summary, the available evidence is currently insufficient to determine the role of this variant in disease. Therefore, it has been classified as a Variant of Uncertain Significance.

NM_001369369.1(FOXN1):c.1631A>G (p.Asn544Ser)

Gene: FOXN1 (forkhead box N1; plus strand). Cytogenetic location: 17q11.2.
Variant type: single nucleotide variant.
Coding change: c.1631A>G on transcript NM_001369369.1 (MANE Select); coding-DNA position 1631, A replaced by G.
Protein change: p.Asn544Ser; replaces asparagine 544 with serine.
Molecular consequence: missense variant.
Genome position (GRCh38, 1-based): chr17:28,537,120, A>G. VCF-style: chr17-28537120-A-G. GRCh37 (hg19) VCF-style: chr17-26864138-A-G.
Other names: c.1631A>G, p.Asn544Ser (NM_003593.3); short protein forms N544S.
Identifiers: ClinVar variation 4771812 (VCV004771812.1).